The following is an entry in ClinVar:

NM_020693.4(DSCAML1):c.1611G>C (p.Lys537Asn)

Gene: DSCAML1 (DS cell adhesion molecule like 1; minus strand). Cytogenetic location: 11q23.3.
Variant type: single nucleotide variant.
Coding change: c.1611G>C on transcript NM_020693.4 (MANE Select); coding-DNA position 1611, G replaced by C.
Protein change: p.Lys537Asn; replaces lysine 537 with asparagine.
Molecular consequence: missense variant.
Genome position (GRCh38, 1-based): chr11:117,516,639, C>G on the plus strand (G>C on the coding strand, the complement: DSCAML1 is on the minus strand). VCF-style: chr11-117516639-C-G. GRCh37 (hg19) VCF-style: chr11-117387354-C-G.
Other names: c.1611G>C, p.Lys537Asn (NM_001367904.1); short protein forms K537N.
Identifiers: ClinVar variation 2111879 (VCV002111879.4), dbSNP rs2543259358, ClinGen allele CA382744369.

ClinVar aggregate classification (germline): Uncertain significance (1 of 4 stars; one submission).

Allele frequency attached by ClinVar (database versions not stated): gnomAD exomes below 0.00001.
gnomAD v4.1: 1 of 1,614,106 alleles (0.000062%); highest among the groups gnomAD compares: African/African-American, 0.0013%; no homozygotes.

Submission:

Labcorp Genetics (formerly Invitae), Labcorp
Classification: Uncertain significance. Last evaluated: 2025-03-31. Review status: criteria provided, single submitter. Criteria: Invitae Variant Classification Sherloc (09022015). Collection method: clinical testing. Allele origin: germline.
Comment: This sequence change replaces lysine, which is basic and polar, with asparagine, which is neutral and polar, at codon 597 of the DSCAML1 protein (p.Lys597Asn). This variant is not present in population databases (gnomAD no frequency). This variant has not been reported in the literature in individuals affected with DSCAML1-related conditions. ClinVar contains an entry for this variant (Variation ID: 2111879). An algorithm developed to predict the effect of missense changes on protein structure and function (PolyPhen-2) suggests that this variant is likely to be tolerated. In summary, the available evidence is currently insufficient to determine the role of this variant in disease. Therefore, it has been classified as a Variant of Uncertain Significance.